The following is an entry in ClinVar:

NM_018834.6(MATR3):c.616A>G (p.Ser206Gly)

Gene: MATR3 (matrin 3; plus strand). Cytogenetic location: 5q31.2.
Variant type: single nucleotide variant.
Coding change: c.616A>G on transcript NM_018834.6 (MANE Select); coding-DNA position 616, A replaced by G.
Protein change: p.Ser206Gly; replaces serine 206 with glycine.
Molecular consequence: missense variant. On other transcripts: intron variant (11).
Genome position (GRCh38, 1-based): chr5:139,308,031, A>G. VCF-style: chr5-139308031-A-G. GRCh37 (hg19) VCF-style: chr5-138643720-A-G.
Other names: c.616A>G, p.Ser206Gly (NM_001194954.2, NM_001194955.2, NM_001400441.1 and 16 more transcripts); c.52-6644A>G (NM_001400459.1); c.-102-6644A>G (NM_001400463.1, NM_001400460.1, NM_001282278.2 and 3 more transcripts); c.-40-7666A>G (NM_001400462.1, NM_001400467.1); c.13-6644A>G (NM_001400461.1); c.49-6644A>G (NM_001194956.2); short protein forms S206G.
Identifiers: ClinVar variation 2655727 (VCV002655727.24), dbSNP rs2546757516, ClinGen allele CA361487671.

ClinVar aggregate classification (germline): Uncertain significance (1 of 4 stars; one submission).

Submission:

CeGaT Center for Human Genetics Tuebingen
Classification: Uncertain significance. Last evaluated: 2022-04-01. Review status: criteria provided, single submitter. Criteria: CeGaT Center For Human Genetics Tuebingen Variant Classification Criteria Version 2. Collection method: clinical testing. Allele origin: germline. Affected: yes. Observed: 1 variant allele.
Comment: MATR3: PM2